The following is an entry in ClinVar:

ClinVar aggregate classification (germline): Benign/Likely benign. Review status: no assertion criteria provided (0 of 4 stars). 3 submissions from 3 submitters: Benign (1); Likely benign (2). Last evaluated 2020-11-10.

Conditions:
KDM6B-related disorder. Also called: KDM6B-related condition.

Submissions (3):

PreventionGenetics, part of Exact Sciences
Classification: Benign for KDM6B-related condition. Last evaluated: 2020-11-10. Review status: no assertion criteria provided. Collection method: clinical testing. Allele origin: germline.
Comment: This variant is classified as benign based on ACMG/AMP sequence variant interpretation guidelines (Richards et al. 2015 PMID: 25741868, with internal and published modifications).

Diagnostic Laboratory, Department of Genetics, University Medical Center Groningen
Classification: Likely benign. Review status: no assertion criteria provided. Collection method: clinical testing. Allele origin: germline. Affected: yes. Study: VKGL Data-share Consensus.

Laboratory of Diagnostic Genome Analysis, Leiden University Medical Center (LUMC)
Classification: Likely benign. Review status: no assertion criteria provided. Collection method: clinical testing. Allele origin: germline. Affected: yes. Study: VKGL Data-share Consensus.

NM_001348716.2(KDM6B):c.2253CAC[10] (p.Thr762del)

Gene: KDM6B (lysine demethylase 6B; plus strand). Cytogenetic location: 17p13.1.
Variant type: Microsatellite.
Coding change: c.2253CAC[10] on transcript NM_001348716.2 (MANE Select); ten copies in a row of the 3-base unit CAC starting at c.2253; the reference has 11 copies in a row; one copy, 3 bases deleted.
Protein change: p.Thr762del; deletes threonine 762.
Molecular consequence: inframe deletion.
Genome position (GRCh38, 1-based): chr17:7,848,571-7,848,573, CAC deleted; deleting any 3 consecutive bases within chr17:7,848,541-7,848,573 gives the same sequence; the position shown is the placement nearest the transcript's 3' end. VCF-style (leftmost placement, unchanged base first): chr17-7848540-TCAC-T. GRCh37 (hg19) VCF-style: chr17-7751858-TCAC-T.
Other names: c.2253CAC[10], p.Thr762del (NM_001080424.2); c.2283_2285delCAC (NM_001080424.1); short protein forms T762del.
Identifiers: ClinVar variation 1174720 (VCV001174720.6), dbSNP rs59627144, ClinGen allele CA8360846.